The following is an entry in ClinVar:

ClinVar aggregate classification (germline): Uncertain significance. Review status: criteria provided, multiple submitters, no conflicts (2 of 4 stars). 4 submissions from 4 submitters: Uncertain significance (4). Last evaluated 2026-02-01.

Conditions:
Inborn genetic diseases. Identifiers: MedGen C0950123, MeSH D030342.
Fraser syndrome 1 (FRASRS1). Also called: CRYPTOPHTHALMOS WITH OTHER MALFORMATIONS. Identifiers: Orphanet 2052, MedGen C4551480, MONDO:0054737, OMIM 219000.

Allele frequency attached by ClinVar (database versions not stated): ExAC 0.00006; gnomAD exomes 0.00007 and 0.00008; TOPMed 0.00011; gnomAD 0.00013 and 0.00016; ESP Exome Variant Server 0.00016.
gnomAD v4.1: 130 of 1,613,568 alleles (0.0081%); highest among the groups gnomAD compares: African/African-American, 0.02%; no homozygotes.

Submissions (4):

Labcorp Genetics (formerly Invitae), Labcorp
Classification: Uncertain significance. Last evaluated: 2026-02-01. Review status: criteria provided, single submitter. Criteria: Invitae Variant Classification Sherloc (09022015). Collection method: clinical testing. Allele origin: germline.
Comment: This sequence change replaces arginine, which is basic and polar, with histidine, which is basic and polar, at codon 270 of the FRAS1 protein (p.Arg270His). This variant is present in population databases (rs374688692, gnomAD 0.03%). This variant has not been reported in the literature in individuals affected with FRAS1-related conditions. ClinVar contains an entry for this variant (Variation ID: 903748). An algorithm developed to predict the effect of missense changes on protein structure and function outputs the following: PolyPhen-2: "Benign". The histidine amino acid residue is found in multiple mammalian species, which suggests that this missense change does not adversely affect protein function. In summary, the available evidence is currently insufficient to determine the role of this variant in disease. Therefore, it has been classified as a Variant of Uncertain Significance.

Ambry Genetics
Classification: Uncertain significance for Inborn genetic diseases. Last evaluated: 2025-05-23. Review status: criteria provided, single submitter. Criteria: Ambry Variant Classification Scheme 2023. Collection method: clinical testing. Allele origin: germline.

Fulgent Genetics
Classification: Uncertain significance for Fraser syndrome 1. Last evaluated: 2024-03-27. Review status: criteria provided, single submitter. Criteria: ACMG Guidelines, 2015. Collection method: clinical testing. Allele origin: germline.

Illumina Laboratory Services, Illumina
Classification: Uncertain significance for Fraser syndrome 1. Last evaluated: 2017-04-27. Review status: criteria provided, single submitter. Criteria: ICSL Variant Classification Criteria 13 December 2019. Collection method: clinical testing. Allele origin: germline.

NM_025074.7(FRAS1):c.809G>A (p.Arg270His)

Gene: FRAS1 (Fraser extracellular matrix complex subunit 1; plus strand). Cytogenetic location: 4q21.21.
Variant type: single nucleotide variant.
Coding change: c.809G>A on transcript NM_025074.7 (MANE Select); coding-DNA position 809, G replaced by A.
Protein change: p.Arg270His; replaces arginine 270 with histidine.
Molecular consequence: missense variant.
Genome position (GRCh38, 1-based): chr4:78,267,260, G>A. VCF-style: chr4-78267260-G-A. GRCh37 (hg19) VCF-style: chr4-79188414-G-A.
Other names: c.809G>A, p.Arg270His (NM_001166133.2); short protein forms R270H.
Identifiers: ClinVar variation 903748 (VCV000903748.8), dbSNP rs374688692, ClinGen allele CA2976093.